The following is an entry in ClinVar:

ClinVar aggregate classification (germline): Uncertain significance (1 of 4 stars; one submission).

gnomAD v4.1: 2 of 1,598,028 alleles (0.00013%); highest among the groups gnomAD compares: African/African-American, 0.0013%; no homozygotes.

Submission:

GeneDx
Classification: Uncertain significance. Last evaluated: 2024-11-04. Review status: criteria provided, single submitter. Criteria: GeneDx Variant Classification Process June 2021. Collection method: clinical testing. Allele origin: germline. Affected: yes.
Comment: Not observed at significant frequency in large population cohorts (gnomAD); In silico analysis indicates that this missense variant does not alter protein structure/function; Has not been previously published as pathogenic or benign to our knowledge

NM_002863.5(PYGL):c.2227A>G (p.Ile743Val)

Gene: PYGL (glycogen phosphorylase L; minus strand). Cytogenetic location: 14q22.1.
Variant type: single nucleotide variant.
Coding change: c.2227A>G on transcript NM_002863.5 (MANE Select); coding-DNA position 2227, A replaced by G.
Protein change: p.Ile743Val; replaces isoleucine 743 with valine.
Molecular consequence: missense variant.
Genome position (GRCh38, 1-based): chr14:50,908,906, T>C on the plus strand (A>G on the coding strand, the complement: PYGL is on the minus strand). VCF-style: chr14-50908906-T-C. GRCh37 (hg19) VCF-style: chr14-51375624-T-C.
Other names: c.2125A>G, p.Ile709Val (NM_001163940.2); short protein forms I709V, I743V.
Identifiers: ClinVar variation 3897179 (VCV003897179.1).